The following is an entry in ClinVar:

ClinVar aggregate classification (germline): Likely benign. Review status: criteria provided, multiple submitters, no conflicts (2 of 4 stars). 2 submissions from 2 submitters: Likely benign (2). Last evaluated 2022-09-03.

Submissions (2):

Labcorp Genetics (formerly Invitae), Labcorp
Classification: Likely benign. Last evaluated: 2022-09-03. Review status: criteria provided, single submitter. Criteria: Invitae Variant Classification Sherloc (09022015). Collection method: clinical testing. Allele origin: germline.

CeGaT Center for Human Genetics Tuebingen
Classification: Likely benign. Last evaluated: 2022-09-01. Review status: criteria provided, single submitter. Criteria: CeGaT Center For Human Genetics Tuebingen Variant Classification Criteria Version 2. Collection method: clinical testing. Allele origin: germline. Affected: yes. Observed: 1 variant allele.
Comment: PCDH15: PM2:Supporting, BP4, BP7

NM_001384140.1(PCDH15):c.3694C>T (p.Leu1232=)

Gene: PCDH15 (protocadherin related 15; minus strand). Cytogenetic location: 10q21.1.
Variant type: single nucleotide variant.
Coding change: c.3694C>T on transcript NM_001384140.1 (MANE Select); coding-DNA position 3694, C replaced by T.
Protein change: p.Leu1232=; no amino-acid change (leucine 1232 retained).
Molecular consequence: synonymous variant.
Genome position (GRCh38, 1-based): chr10:53,866,665, G>A on the plus strand (C>T on the coding strand, the complement: PCDH15 is on the minus strand). VCF-style: chr10-53866665-G-A. GRCh37 (hg19) VCF-style: chr10-55626425-G-A.
Other names: c.3709C>T, p.Leu1237= (NM_001142763.2, NM_001142771.2); c.3694C>T, p.Leu1232= (NM_001142764.2, NM_001142766.2, NM_001142770.3 and 4 more transcripts); c.3481C>T, p.Leu1161= (NM_001142765.2); c.3583C>T, p.Leu1195= (NM_001142767.2); c.3628C>T, p.Leu1210= (NM_001142768.2, NM_001142773.2, NM_001354404.2); c.3730C>T, p.Leu1244= (NM_001142769.4); c.3715C>T, p.Leu1239= (NM_001354411.2).
Identifiers: ClinVar variation 2028762 (VCV002028762.28), dbSNP rs2493333932, ClinGen allele CA469493505.
Genomic context (GRCh38, chr10:53,866,665, plus strand): 5'-GTAGCTACTTCCCTTTCCTGAAGTTTTATCTACTTACGAGTACATCGGCTTTGCCGCTCA[G>A]TCCCTTCCCATAGTCGTCAGTTGCAATAACTTGAAACTTGAAGTAGGATCTCCTCATATT-3'
Protein context (NP_001371069.1, residues 1222-1242): VIATDDYGKG[Leu1232=]SGKADVLVSV